The following is an entry in ClinVar:

ClinVar aggregate classification (germline): Uncertain significance. Review status: criteria provided, multiple submitters, no conflicts (2 of 4 stars). 3 submissions from 3 submitters: Uncertain significance (3). Last evaluated 2025-01-22.

Conditions:
Inborn genetic diseases. Identifiers: MedGen C0950123, MeSH D030342.

Allele frequency attached by ClinVar (database versions not stated): gnomAD exomes 0.00003; ExAC 0.00006; 1000 Genomes Project 30x 0.00016; 1000 Genomes Project 0.00020; ESP Exome Variant Server 0.00023; TOPMed 0.00029; gnomAD 0.00030.
gnomAD v4.1: 88 of 1,614,024 alleles (0.0055%); highest among the groups gnomAD compares: African/African-American, 0.11%; no homozygotes.

Submissions (3):

Mayo Clinic Laboratories, Mayo Clinic
Classification: Uncertain significance. Last evaluated: 2025-01-22. Review status: criteria provided, single submitter. Criteria: ACMG Guidelines, 2015. Collection method: clinical testing. Allele origin: germline. Observed: 2 variant alleles.
Comment: BP4

Labcorp Genetics (formerly Invitae), Labcorp
Classification: Uncertain significance. Last evaluated: 2022-07-27. Review status: criteria provided, single submitter. Criteria: Invitae Variant Classification Sherloc (09022015). Collection method: clinical testing. Allele origin: germline.
Comment: This sequence change replaces threonine, which is neutral and polar, with isoleucine, which is neutral and non-polar, at codon 270 of the PNPLA8 protein (p.Thr270Ile). This variant is present in population databases (rs144062291, gnomAD 0.07%). This variant has not been reported in the literature in individuals affected with PNPLA8-related conditions. Algorithms developed to predict the effect of missense changes on protein structure and function (SIFT, PolyPhen-2, Align-GVGD) all suggest that this variant is likely to be tolerated. In summary, the available evidence is currently insufficient to determine the role of this variant in disease. Therefore, it has been classified as a Variant of Uncertain Significance.

Ambry Genetics
Classification: Uncertain significance for Inborn genetic diseases. Last evaluated: 2021-08-09. Review status: criteria provided, single submitter. Criteria: Ambry Variant Classification Scheme 2023. Collection method: clinical testing. Allele origin: germline.

NM_001256007.3(PNPLA8):c.809C>T (p.Thr270Ile)

Gene: PNPLA8 (patatin like domain 8, phospholipase A2; minus strand). Cytogenetic location: 7q31.1.
Variant type: single nucleotide variant.
Coding change: c.809C>T on transcript NM_001256007.3 (MANE Select); coding-DNA position 809, C replaced by T.
Protein change: p.Thr270Ile; replaces threonine 270 with isoleucine.
Molecular consequence: missense variant.
Genome position (GRCh38, 1-based): chr7:108,514,683, G>A on the plus strand (C>T on the coding strand, the complement: PNPLA8 is on the minus strand). VCF-style: chr7-108514683-G-A. GRCh37 (hg19) VCF-style: chr7-108155127-G-A.
Other names: p.Thr270Ile; c.809C>T (NM_015723.2); c.809C>T, p.Thr270Ile (NM_001256008.3, NM_001256009.3, NM_015723.5); c.509C>T, p.Thr170Ile (NM_001256010.3, NM_001256011.3); short protein forms T170I, T270I.
Identifiers: ClinVar variation 2174457 (VCV002174457.4), dbSNP rs144062291, ClinGen allele CA4439752.